The following is an entry in ClinVar:

ClinVar aggregate classification (germline): Uncertain significance. Review status: criteria provided, single submitter (1 of 4 stars). 2 submissions from 2 submitters: Uncertain significance (1). 1 of the submissions does not count toward it. Last evaluated 2019-06-12.

Allele frequency attached by ClinVar (database versions not stated): gnomAD exomes below 0.00001 and 0.00002; gnomAD 0.00001; TOPMed 0.00001; ExAC 0.00003.
gnomAD v4.1: 8 of 1,613,754 alleles (0.0005%); highest among the groups gnomAD compares: Non-Finnish European, 0.00059%; no homozygotes.

Submissions (2):

Revvity Omics, Revvity
Classification: Uncertain significance. Last evaluated: 2019-06-12. Review status: criteria provided, single submitter. Criteria: ACMG Guidelines, 2015. Collection method: clinical testing. Allele origin: germline.

Department of Pathology and Laboratory Medicine, Sinai Health System
Classification: Uncertain significance. Review status: no assertion criteria provided. Collection method: clinical testing. Allele origin: unknown. Affected: yes. Study: The Canadian Open Genetics Repository (COGR). Not counted in ClinVar's aggregate classification.
Comment: The NEB p.Val6497Ile variant was not identified in the literature nor was it identified in ClinVar, Cosmic or LOVD 3.0. The variant was identified in dbSNP (ID: rs777289377) and in control databases in 4 of 249032 chromosomes at a frequency of 0.000016 (Genome Aggregation Database March 6, 2019, v2.1.1). The variant was observed in the European (non-Finnish) population in 4 of 112812 chromosomes (freq: 0.000035), but was not observed in the African, Latino, Ashkenazi Jewish, East Asian, European (Finnish), Other or South Asian populations. The variant occurs outside of the splicing consensus sequence and in silico or computational prediction software programs (SpliceSiteFinder, MaxEntScan, NNSPLICE, GeneSplicer) do not predict a difference in splicing. The p.Val6497 residue is conserved in mammals but not in more distantly related organisms however computational analyses (PolyPhen-2, SIFT, AlignGVGD, BLOSUM, MutationTaster) do not suggest a high likelihood of impact to the protein; this information is not predictive enough to rule out pathogenicity. In summary, based on the above information the clinical significance of this variant cannot be determined with certainty at this time. This variant is classified as a variant of uncertain significance.

NM_001164508.2(NEB):c.19489G>A (p.Val6497Ile)

Genes: NEB (nebulin; minus strand), LOC126806373 (BRD4-independent group 4 enhancer GRCh37_chr2:152410007-152411206; plus strand). Cytogenetic location: 2q23.3.
Variant type: single nucleotide variant.
Coding change: c.19489G>A on transcript NM_001164508.2 (MANE Select); coding-DNA position 19489, G replaced by A.
Protein change: p.Val6497Ile; replaces valine 6497 with isoleucine.
Molecular consequence: missense variant.
Genome position (GRCh38, 1-based): chr2:151,553,965, C>T on the plus strand (G>A on the coding strand, the complement: NEB is on the minus strand). VCF-style: chr2-151553965-C-T. GRCh37 (hg19) VCF-style: chr2-152410479-C-T.
Other names: c.19489G>A, p.Val6497Ile (NM_001164507.2, NM_001271208.2); c.14386G>A, p.Val4796Ile (NM_004543.5); c.19489G>A (NM_001271208.1); short protein forms V4796I, V6497I.
Identifiers: ClinVar variation 1050391 (VCV001050391.4), dbSNP rs777289377, ClinGen allele CA1907623.